The following is an entry in ClinVar:

NM_000426.4(LAMA2):c.8528A>G (p.Asn2843Ser)

Gene: LAMA2 (laminin subunit alpha 2; plus strand). Cytogenetic location: 6q22.33.
Variant type: single nucleotide variant.
Coding change: c.8528A>G on transcript NM_000426.4 (MANE Select); coding-DNA position 8528, A replaced by G.
Protein change: p.Asn2843Ser; replaces asparagine 2843 with serine.
Molecular consequence: missense variant.
Genome position (GRCh38, 1-based): chr6:129,503,261, A>G. VCF-style: chr6-129503261-A-G. GRCh37 (hg19) VCF-style: chr6-129824406-A-G.
Other names: c.8516A>G, p.Asn2839Ser (NM_001079823.2); short protein forms N2843S, N2839S.
Identifiers: ClinVar variation 129445 (VCV000129445.26), dbSNP rs73599293, ClinGen allele CA153457.

ClinVar aggregate classification (germline): Benign/Likely benign. Review status: criteria provided, multiple submitters, no conflicts (2 of 4 stars). 13 submissions from 13 submitters: Benign (6); Likely benign (4). 3 of the submissions do not count toward it. Last evaluated 2026-02-02.

Conditions:
Merosin deficient congenital muscular dystrophy (MDC1A). Also called: Congenital merosin-deficient muscular dystrophy 1A; Congenital Muscular Dystrophy Type 1A (MDC1A). Identifiers: Orphanet 258, MedGen C1263858, MONDO:0011925, OMIM 607855.
Muscular dystrophy, limb-girdle, autosomal recessive 23. Identifiers: Orphanet 565837, MedGen C4748327, MONDO:0029136, OMIM 618138.
LAMA2-related muscular dystrophy (LAMA2-RD). Also called: Laminin alpha 2-related dystrophy. Identifiers: MedGen C5679788, MONDO:0100228.
Congenital muscular dystrophy due to partial LAMA2 deficiency. Identifiers: MedGen C1842898.

Allele frequency attached by ClinVar (database versions not stated): gnomAD exomes 0.00572; ExAC 0.00699; 1000 Genomes Project 0.01917; gnomAD 0.02027 and 0.02196; 1000 Genomes Project 30x 0.02171; ESP Exome Variant Server 0.02376; TOPMed 0.02406.
gnomAD v4.1: 6,229 of 1,613,934 alleles (0.39%); highest among the groups gnomAD compares: African/African-American, 7.2%; 194 homozygotes.

Submissions (13):

Labcorp Genetics (formerly Invitae), Labcorp
Classification: Benign for LAMA2-related muscular dystrophy. Last evaluated: 2026-02-02. Review status: criteria provided, single submitter. Criteria: Invitae Variant Classification Sherloc (09022015). Collection method: clinical testing. Allele origin: germline.

Women's Health and Genetics/Laboratory Corporation of America, LabCorp
Classification: Likely benign. Last evaluated: 2021-12-10. Review status: criteria provided, single submitter. Criteria: LabCorp Variant Classification Summary - May 2015. Collection method: clinical testing. Allele origin: germline.

Fulgent Genetics
Classification: Likely benign for Merosin deficient congenital muscular dystrophy; Muscular dystrophy, limb-girdle, autosomal recessive 23. Last evaluated: 2021-08-24. Review status: criteria provided, single submitter. Criteria: ACMG Guidelines, 2015. Collection method: clinical testing. Allele origin: unknown.

Mayo Clinic Laboratories, Mayo Clinic
Classification: Benign. Last evaluated: 2021-04-02. Review status: criteria provided, single submitter. Criteria: ACMG Guidelines, 2015. Collection method: clinical testing. Allele origin: germline. Observed: 34 variant alleles.

Athena Diagnostics
Classification: Benign for Merosin deficient congenital muscular dystrophy. Last evaluated: 2017-06-23. Review status: criteria provided, single submitter. Criteria: Athena Diagnostics Criteria. Collection method: clinical testing. Allele origin: germline.

Illumina Laboratory Services, Illumina
Classification: Likely benign for Congenital muscular dystrophy due to partial LAMA2 deficiency. Last evaluated: 2017-04-27. Review status: criteria provided, single submitter. Criteria: ICSL Variant Classification Criteria 13 December 2019. Collection method: clinical testing. Allele origin: germline.
Comment: This variant was observed as part of a predisposition screen in an ostensibly healthy population. A literature search was performed for the gene, cDNA change, and amino acid change (where applicable). No publications were found based on this search. Allele frequency data from public databases allowed determination this variant is unlikely to cause disease. Therefore, this variant is classified as likely benign.

GeneDx
Classification: Benign. Last evaluated: 2016-05-18. Review status: criteria provided, single submitter. Criteria: GeneDx Variant Classification (06012015). Collection method: clinical testing. Allele origin: germline. Affected: yes.
Comment: This variant is considered likely benign or benign based on one or more of the following criteria: it is a conservative change, it occurs at a poorly conserved position in the protein, it is predicted to be benign by multiple in silico algorithms, and/or has population frequency not consistent with disease.

Center for Pediatric Genomic Medicine, Children's Mercy Hospital and Clinics
Classification: Benign. Last evaluated: 2015-09-28. Review status: criteria provided, single submitter. Criteria: ACMG Guidelines, 2015. Collection method: clinical testing. Allele origin: germline.

Breakthrough Genomics
Classification: Likely benign. Review status: criteria provided, single submitter. Criteria: ACMG Guidelines, 2015. Collection method: not provided. Allele origin: germline. Inheritance: Autosomal recessive inheritance. Affected: yes.

PreventionGenetics, part of Exact Sciences
Classification: Benign. Review status: criteria provided, single submitter. Criteria: ACMG Guidelines, 2015. Collection method: clinical testing. Allele origin: germline.

Clinical Genetics, Academic Medical Center
Classification: Benign. Review status: no assertion criteria provided. Collection method: clinical testing. Allele origin: germline. Affected: yes. Study: VKGL Data-share Consensus. Not counted in ClinVar's aggregate classification.

Genetic Services Laboratory, University of Chicago
Classification: Likely benign for AllHighlyPenetrant. Review status: no assertion criteria provided. Collection method: clinical testing. Allele origin: germline. Inheritance: Autosomal recessive inheritance. Not counted in ClinVar's aggregate classification.
Comment: Likely benign based on allele frequency in 1000 Genomes Project or ESP global frequency and its presence in a patient with a rare or unrelated disease phenotype. NOT Sanger confirmed.

Laboratory of Diagnostic Genome Analysis, Leiden University Medical Center (LUMC)
Classification: Likely benign. Review status: no assertion criteria provided. Collection method: clinical testing. Allele origin: germline. Affected: yes. Study: VKGL Data-share Consensus. Not counted in ClinVar's aggregate classification.